The following is an entry in ClinVar:

ClinVar aggregate classification (germline): Uncertain significance (1 of 4 stars; one submission).

Conditions:
Cardiovascular phenotype. Identifiers: MedGen CN230736.

Submission:

Ambry Genetics
Classification: Uncertain significance for Cardiovascular phenotype. Last evaluated: 2021-04-23. Review status: criteria provided, single submitter. Criteria: Ambry Variant Classification Scheme 2023. Collection method: clinical testing. Allele origin: germline.
Comment: The p.L352P variant (also known as c.1055T>C), located in coding exon 12 of the MYBPC3 gene, results from a T to C substitution at nucleotide position 1055. The leucine at codon 352 is replaced by proline, an amino acid with similar properties. This alteration has been reported in a hypertrophic cardiomyopathy (HCM) cohort (Richard P et al. Circulation, 2003 May;107:2227-32). Additionally, an in vitro study indicated this alteration may impact calcium sensitization; however, the physiological evidence supporting its link to HCM is limited at this time (Mun JY et al. J Mol Cell Cardiol, 2016 Feb;91:141-7). This amino acid position is highly conserved in available vertebrate species. In addition, this alteration is predicted to be deleterious by in silico analysis. Since supporting evidence is limited at this time, the clinical significance of this alteration remains unclear.

Literature cited by the submitters: PubMed 12707239; PubMed 26718724.

NM_000256.3(MYBPC3):c.1055T>C (p.Leu352Pro)

Gene: MYBPC3 (myosin binding protein C3; minus strand). Cytogenetic location: 11p11.2.
Variant type: single nucleotide variant.
Coding change: c.1055T>C on transcript NM_000256.3 (MANE Select); coding-DNA position 1055, T replaced by C.
Protein change: p.Leu352Pro; replaces leucine 352 with proline.
Molecular consequence: missense variant.
Genome position (GRCh38, 1-based): chr11:47,346,242, A>G on the plus strand (T>C on the coding strand, the complement: MYBPC3 is on the minus strand). VCF-style: chr11-47346242-A-G. GRCh37 (hg19) VCF-style: chr11-47367793-A-G.
Other names: short protein forms L352P.
Identifiers: ClinVar variation 1778439 (VCV001778439.2), dbSNP rs1460895809, ClinGen allele CA380331137.